The following is an entry in ClinVar:

ClinVar aggregate classification (germline): Uncertain significance (1 of 4 stars; one submission).

gnomAD v4.1: 1 of 1,612,736 alleles (0.000062%); highest among the groups gnomAD compares: East Asian, 0.0022%; no homozygotes.

Submission:

Ambry Genetics
Classification: Uncertain significance. Last evaluated: 2025-10-17. Review status: criteria provided, single submitter. Criteria: Ambry Variant Classification Scheme 2023. Collection method: clinical testing. Allele origin: germline.
Comment: The c.785T>C (p.M262T) alteration is located in exon 8 (coding exon 8) of the ELOVL2 gene. This alteration results from a T to C substitution at nucleotide position 785, causing the methionine (M) at amino acid position 262 to be replaced by a threonine (T). Based on data from gnomAD, the C allele has an overall frequency of <0.001% (1/249622) total alleles studied. The highest observed frequency was 0.006% (1/18230) of East Asian alleles. Based on insufficient or conflicting evidence, the clinical significance of this alteration remains unclear.

NM_017770.4(ELOVL2):c.785T>C (p.Met262Thr)

Gene: ELOVL2 (ELOVL fatty acid elongase 2; minus strand). Cytogenetic location: 6p24.2.
Variant type: single nucleotide variant.
Coding change: c.785T>C on transcript NM_017770.4 (MANE Select); coding-DNA position 785, T replaced by C.
Protein change: p.Met262Thr; replaces methionine 262 with threonine.
Molecular consequence: missense variant.
Genome position (GRCh38, 1-based): chr6:10,983,887, A>G on the plus strand (T>C on the coding strand, the complement: ELOVL2 is on the minus strand). VCF-style: chr6-10983887-A-G. GRCh37 (hg19) VCF-style: chr6-10984120-A-G.
Other names: short protein forms M262T.
Identifiers: ClinVar variation 4663974 (VCV004663974.1).